The following is an entry in ClinVar:

NM_001037.5(SCN1B):c.94_95insC (p.Tyr32fs)

Gene: SCN1B (sodium voltage-gated channel beta subunit 1; plus strand). Cytogenetic location: 19q13.11.
Variant type: Insertion.
Coding change: c.94_95insC on transcript NM_001037.5 (MANE Select); coding-DNA positions 94 to 95, C inserted.
Protein change: p.Tyr32fs; shifts the reading frame from tyrosine 32.
Molecular consequence: frameshift variant. On other transcripts: 5 prime UTR variant (1).
Genome position: GRCh38 VCF-style: chr19-35032581-T-TC. GRCh37 (hg19) VCF-style: chr19-35523485-T-TC.
Other names: c.-6_-5insC (NM_001321605.2); c.94_95insC, p.Tyr32fs (NM_199037.5); short protein forms Y32fs.
Identifiers: ClinVar variation 2762136 (VCV002762136.3), dbSNP rs2514232982, ClinGen allele CA2697556453.

ClinVar aggregate classification (germline): Pathogenic (1 of 4 stars; one submission).

Conditions:
Brugada syndrome 5 (BRGDA5). Identifiers: Orphanet 130, Orphanet 871, MedGen C2748541, MONDO:0013015, OMIM 612838.

Submission:

Labcorp Genetics (formerly Invitae), Labcorp
Classification: Pathogenic for Brugada syndrome 5. Last evaluated: 2023-10-18. Review status: criteria provided, single submitter. Criteria: Invitae Variant Classification Sherloc (09022015). Collection method: clinical testing. Allele origin: germline.
Comment: This sequence change creates a premature translational stop signal (p.Tyr32Serfs*21) in the SCN1B gene. It is expected to result in an absent or disrupted protein product. Loss-of-function variants in SCN1B are known to be pathogenic (PMID: 17629415, 30660056). This variant is not present in population databases (gnomAD no frequency). This variant has not been reported in the literature in individuals affected with SCN1B-related conditions. For these reasons, this variant has been classified as Pathogenic.

Literature cited by the submitters: PubMed 17629415; PubMed 30660056.